The following is an entry in ClinVar:

NM_000352.6(ABCC8):c.1577G>T (p.Arg526Leu)

Gene: ABCC8 (ATP binding cassette subfamily C member 8; minus strand). Cytogenetic location: 11p15.1.
Variant type: single nucleotide variant.
Coding change: c.1577G>T on transcript NM_000352.6 (MANE Select); coding-DNA position 1577, G replaced by T.
Protein change: p.Arg526Leu; replaces arginine 526 with leucine.
Molecular consequence: missense variant. On other transcripts: non-coding transcript variant (1).
Genome position (GRCh38, 1-based): chr11:17,442,773, C>A on the plus strand (G>T on the coding strand, the complement: ABCC8 is on the minus strand). VCF-style: chr11-17442773-C-A. GRCh37 (hg19) VCF-style: chr11-17464320-C-A.
Other names: NM_000352.6(ABCC8):c.1577G>T; p.Arg526Leu; c.1577G>T, p.Arg526Leu (NM_001287174.3, NM_001351295.2); c.1574G>T, p.Arg525Leu (NM_001351296.2, NM_001351297.2); short protein forms R526L, R525L.
Identifiers: ClinVar variation 1345054 (VCV001345054.6), dbSNP rs144481621, ClinGen allele CA5903523.
Genomic context (GRCh38, chr11:17,442,773, plus strand): 5'-AACTCACTGGAGATGGAGGTATAGATGGCAAAGGCCCTGAGGCTGGTCATCTCCTTCCTG[C>A]GGGTCGTCTCCACCCGCGTGCGGAAGATGTTCTCCCAGGCGTACAGCTTCAGCAGCTTGA-3'
Protein context (NP_000343.2, residues 516-536): NIFRTRVETT[Arg526Leu]RKEMTSLRAF

ClinVar aggregate classification (germline): Conflicting classifications of pathogenicity. Review status: criteria provided, conflicting classifications (1 of 4 stars). 2 submissions from 2 submitters: Likely pathogenic (1); Uncertain significance (1). Last evaluated 2023-10-22.

Conditions:
Hyperinsulinemic hypoglycemia, familial, 1 (HHF1). Also called: Persistent hyperinsulinemic hypoglycemia of infancy; HYPERINSULINISM, FAMILIAL, WITH PANCREATIC NESIDIOBLASTOSIS; HYPOGLYCEMIA, HYPERINSULINEMIC, OF INFANCY; NESIDIOBLASTOSIS OF PANCREAS; Persistent Hyperinsulinemia Hypoglycemia of Infancy. Identifiers: Orphanet 276575, Orphanet 276598, MedGen C2931832, MONDO:0009734, OMIM 256450.

gnomAD v4.1: 6 of 1,613,856 alleles (0.00037%); highest among the groups gnomAD compares: Non-Finnish European, 0.00051%; no homozygotes.

Submissions (2):

Labcorp Genetics (formerly Invitae), Labcorp
Classification: Likely pathogenic. Last evaluated: 2023-10-22. Review status: criteria provided, single submitter. Criteria: Invitae Variant Classification Sherloc (09022015). Collection method: clinical testing. Allele origin: germline.
Comment: This sequence change replaces arginine, which is basic and polar, with leucine, which is neutral and non-polar, at codon 526 of the ABCC8 protein (p.Arg526Leu). This variant is present in population databases (rs144481621, gnomAD 0.003%). This variant has not been reported in the literature in individuals affected with ABCC8-related conditions. ClinVar contains an entry for this variant (Variation ID: 1345054). Advanced modeling of protein sequence and biophysical properties (such as structural, functional, and spatial information, amino acid conservation, physicochemical variation, residue mobility, and thermodynamic stability) performed at Invitae indicates that this missense variant is expected to disrupt ABCC8 protein function. This variant disrupts the p.Arg526 amino acid residue in ABCC8. Other variant(s) that disrupt this residue have been determined to be pathogenic (PMID: 23275527, 23652837, 25584046, 27908292). This suggests that this residue is clinically significant, and that variants that disrupt this residue are likely to be disease-causing. In summary, the currently available evidence indicates that the variant is pathogenic, but additional data are needed to prove that conclusively. Therefore, this variant has been classified as Likely Pathogenic.

Broad Center for Mendelian Genomics, Broad Institute of MIT and Harvard
Classification: Uncertain significance for Hyperinsulinemic hypoglycemia, familial, 1. Last evaluated: 2023-08-16. Review status: criteria provided, single submitter. Criteria: ACMG Guidelines, 2015. Collection method: curation. Allele origin: germline. Inheritance: Autosomal recessive inheritance.
Comment: The p.Arg526Leu variant in ABCC8 has not been previously reported in the literature in individuals with hyperinsulinemic hypoglycemia, but has been seen in 0.003% (1/30612) of South Asian chromosomes by the Genome Aggregation Database (gnomAD; dbSNP: rs144481621). Although this variant has been seen in the general population in a heterozygous state, its frequency is low enough to be consistent with a recessive carrier frequency. This variant has also been reported in ClinVar (Variation ID#: 1345054) and has been interpreted as likely pathogenic by Invitae. Computational prediction tools and conservation analyses suggest that this variant may impact the protein, though this information is not predictive enough to determine pathogenicity. One additional likely pathogenic variant, resulting in a different amino acid change at the same position, R526C, has been reported in association with disease in ClinVar, slightly supporting that a change at this position may not be tolerated (Variation ID: 553752). In summary, the clinical significance of the p.Arg526Leu variant is uncertain. ACMG/AMP Criteria applied: PM5_supporting, PM2_supporting, PP3 (Richards 2015).

Literature cited by the submitters: PubMed 23275527 (cited by Labcorp Genetics (formerly Invitae), Labcorp); PubMed 23652837 (cited by Labcorp Genetics (formerly Invitae), Labcorp); PubMed 25584046 (cited by Labcorp Genetics (formerly Invitae), Labcorp); PubMed 27908292 (cited by Labcorp Genetics (formerly Invitae), Labcorp).